The following is an entry in ClinVar:

ClinVar aggregate classification (germline): Benign/Likely benign. Review status: criteria provided, multiple submitters, no conflicts (2 of 4 stars). 4 submissions from 4 submitters: Benign (1); Likely benign (2). 1 of the submissions does not count toward it. Last evaluated 2026-07-01.

Conditions:
DLC1-related disorder. Also called: DLC1-related condition.

Allele frequency attached by ClinVar (database versions not stated): gnomAD 0.00031; gnomAD exomes 0.00035; TOPMed 0.00037; ExAC 0.00048; ESP Exome Variant Server 0.00054.
gnomAD v4.1: 577 of 1,613,980 alleles (0.036%); highest among the groups gnomAD compares: Middle Eastern, 0.15%; no homozygotes.

Submissions (4):

CeGaT Center for Human Genetics Tuebingen
Classification: Likely benign. Last evaluated: 2026-07-01. Review status: criteria provided, single submitter. Criteria: CeGaT Center For Human Genetics Tuebingen Variant Classification Criteria Version 2. Collection method: clinical testing. Allele origin: germline. Affected: yes. Observed: 1 variant allele.
Comment: DLC1: BP4, BP7

Labcorp Genetics (formerly Invitae), Labcorp
Classification: Benign. Last evaluated: 2025-11-04. Review status: criteria provided, single submitter. Criteria: Invitae Variant Classification Sherloc (09022015). Collection method: clinical testing. Allele origin: germline.

Blueprint Genetics
Classification: Likely benign. Last evaluated: 2024-11-25. Review status: criteria provided, single submitter. Criteria: ACMG Guidelines, 2015. Collection method: clinical testing. Allele origin: germline.

PreventionGenetics, part of Exact Sciences
Classification: Likely benign for DLC1-related condition. Last evaluated: 2019-12-06. Review status: no assertion criteria provided. Collection method: clinical testing. Allele origin: germline. Not counted in ClinVar's aggregate classification.
Comment: This variant is classified as likely benign based on ACMG/AMP sequence variant interpretation guidelines (Richards et al. 2015 PMID: 25741868, with internal and published modifications).

NM_182643.3(DLC1):c.1719G>A (p.Lys573=)

Gene: DLC1 (DLC1 Rho GTPase activating protein; minus strand). Cytogenetic location: 8p22.
Variant type: single nucleotide variant.
Coding change: c.1719G>A on transcript NM_182643.3 (MANE Select); coding-DNA position 1719, G replaced by A.
Protein change: p.Lys573=; no amino-acid change (lysine 573 retained).
Molecular consequence: synonymous variant.
Genome position (GRCh38, 1-based): chr8:13,100,618, C>T on the plus strand (G>A on the coding strand, the complement: DLC1 is on the minus strand). VCF-style: chr8-13100618-C-T. GRCh37 (hg19) VCF-style: chr8-12958127-C-T.
Other names: c.1719G>A (NM_182643.2); c.186G>A, p.Lys62= (NM_001164271.2, NM_001348082.2, NM_001348083.1 and 6 more transcripts); c.510G>A, p.Lys170= (NM_001316668.2, NM_001413129.1); c.1719G>A, p.Lys573= (NM_001348081.2, NM_001413124.1); c.501G>A, p.Lys167= (NM_001413130.1); c.159G>A, p.Lys53= (NM_001413131.1, NM_001413137.1); c.645G>A, p.Lys215= (NM_001413132.1); c.408G>A, p.Lys136= (NM_001413135.1, NM_001413136.1, NM_001413139.1 and 1 more transcripts); and 1 more.
Identifiers: ClinVar variation 2065804 (VCV002065804.8), dbSNP rs138711469, ClinGen allele CA4638837.
Genomic context (GRCh38, chr8:13,100,618, plus strand): 5'-GGAAGACACCTCCTGGCGCTCGCTGAGGTCCATCAGCGTGCCTCCGGGGCTGGGGCCGTC[C>T]TTCGGGTGGGAGTCGTCTGGGGACCCAGGGACCAGGTCTTGTTTTGGAGAAAAGACATCA-3'
Protein context (NP_872584.2, residues 563-583): VPGSPDDSHP[Lys573=]DGPSPGGTLM